The following is an entry in ClinVar:

ClinVar aggregate classification (germline): Pathogenic (1 of 4 stars; one submission).

Conditions:
Cardiovascular phenotype. Identifiers: MedGen CN230736.

Submission:

Molecular Diagnostic Laboratory for Inherited Cardiovascular Disease, Montreal Heart Institute
Classification: Pathogenic for Cardiovascular phenotype. Last evaluated: 2025-01-23. Review status: criteria provided, single submitter. Criteria: ACMG Guidelines, 2015. Collection method: clinical testing. Allele origin: germline. Affected: yes.
Comment: PVS1, PM2, PP4

NM_000138.5(FBN1):c.6023_6031delinsGAGAAGC (p.Asn2008fs)

Gene: FBN1 (fibrillin 1; minus strand). Cytogenetic location: 15q21.1.
Variant type: Indel.
Coding change: c.6023_6031delinsGAGAAGC on transcript NM_000138.5 (MANE Select); coding-DNA positions 6023 to 6031, ATGAGAAGT replaced by GAGAAGC.
Protein change: p.Asn2008fs; shifts the reading frame from asparagine 2008.
Molecular consequence: frameshift variant.
Genome position (GRCh38, 1-based): chr15:48,444,547-48,444,555, ACTTCTCAT replaced by GCTTCTC on the plus strand (ATGAGAAGT replaced by GAGAAGC on the coding strand, the reverse complement: FBN1 is on the minus strand). VCF-style: chr15-48444547-ACTTCTCAT-GCTTCTC. GRCh37 (hg19) VCF-style: chr15-48736744-ACTTCTCAT-GCTTCTC.
Other names: c.6023_6031delATGAGAAGTinsGAGAAGC, p.Asn2008Argfs (NM_000138.4); c.6023_6031delinsGAGAAGC, p.Asn2008fs (NM_001406716.1); short protein forms N2008fs.
Identifiers: ClinVar variation 3895380 (VCV003895380.1).
Genomic context (GRCh38, chr15:48,444,547, plus strand): 5'-AAGTCCAGTGGACACCCGACACTCCTCATTTGCTACAACTGATAGCTTTCCTACCTTCAC[ACTTCTCAT>GCTTCTC]TTTGAAGACTGTATCCAGGTGGGCAAATGCATCTGTAGGACCCATCCAAGTTTTGACAGG-3'